The following is an entry in ClinVar:

NM_021629.4(GNB4):c.910C>T (p.Arg304Cys)

Gene: GNB4 (G protein subunit beta 4; minus strand). Cytogenetic location: 3q26.33.
Variant type: single nucleotide variant.
Coding change: c.910C>T on transcript NM_021629.4 (MANE Select); coding-DNA position 910, C replaced by T.
Protein change: p.Arg304Cys; replaces arginine 304 with cysteine.
Molecular consequence: missense variant.
Genome position (GRCh38, 1-based): chr3:179,405,196, G>A on the plus strand (C>T on the coding strand, the complement: GNB4 is on the minus strand). VCF-style: chr3-179405196-G-A. GRCh37 (hg19) VCF-style: chr3-179122984-G-A.
Other names: short protein forms R304C.
Identifiers: ClinVar variation 647446 (VCV000647446.14), dbSNP rs201776673, ClinGen allele CA2712393.

ClinVar aggregate classification (germline): Uncertain significance. Review status: criteria provided, multiple submitters, no conflicts (2 of 4 stars). 3 submissions from 3 submitters: Uncertain significance (3). Last evaluated 2026-01-14.

Conditions:
Inborn genetic diseases. Identifiers: MedGen C0950123, MeSH D030342.
Charcot-Marie-Tooth disease dominant intermediate F. Identifiers: Orphanet 352670, MedGen C4749463, MONDO:0014074, OMIM 615185.

Allele frequency attached by ClinVar (database versions not stated): ExAC 0.00002; gnomAD 0.00005; TOPMed 0.00006.

Submissions (3):

Labcorp Genetics (formerly Invitae), Labcorp
Classification: Uncertain significance for Charcot-Marie-Tooth disease dominant intermediate F. Last evaluated: 2026-01-14. Review status: criteria provided, single submitter. Criteria: Invitae Variant Classification Sherloc (09022015). Collection method: clinical testing. Allele origin: germline.
Comment: This sequence change replaces arginine, which is basic and polar, with cysteine, which is neutral and slightly polar, at codon 304 of the GNB4 protein (p.Arg304Cys). This variant is present in population databases (rs201776673, gnomAD 0.01%). This variant has not been reported in the literature in individuals affected with GNB4-related conditions. ClinVar contains an entry for this variant (Variation ID: 647446). Invitae Evidence Modeling of protein sequence and biophysical properties (such as structural, functional, and spatial information, amino acid conservation, physicochemical variation, residue mobility, and thermodynamic stability) indicates that this missense variant is not expected to disrupt GNB4 protein function with a negative predictive value of 95%. In summary, the available evidence is currently insufficient to determine the role of this variant in disease. Therefore, it has been classified as a Variant of Uncertain Significance.

GeneDx
Classification: Uncertain significance. Last evaluated: 2025-04-10. Review status: criteria provided, single submitter. Criteria: GeneDx Variant Classification Process June 2021. Collection method: clinical testing. Allele origin: germline. Affected: yes.
Comment: In silico analysis supports that this missense variant has a deleterious effect on protein structure/function; Has not been previously published as pathogenic or benign to our knowledge

Ambry Genetics
Classification: Uncertain significance for Inborn genetic diseases. Last evaluated: 2019-12-18. Review status: criteria provided, single submitter. Criteria: Ambry Variant Classification Scheme 2023. Collection method: clinical testing. Allele origin: germline.
Comment: The p.R304C variant (also known as c.910C>T), located in coding exon 8 of the GNB4 gene, results from a C to T substitution at nucleotide position 910. The arginine at codon 304 is replaced by cysteine, an amino acid with highly dissimilar properties. This amino acid position is highly conserved in available vertebrate species. In addition, this alteration is predicted to be tolerated by in silico analysis. Since supporting evidence is limited at this time, the clinical significance of this alteration remains unclear.